The following is an entry in ClinVar:

ClinVar aggregate classification (germline): Pathogenic. Review status: criteria provided, single submitter (1 of 4 stars). 2 submissions from 2 submitters: Pathogenic (1). 1 of the submissions does not count toward it. Last evaluated 2023-04-24.

Conditions:
Congenital disorder of glycosylation (CDG). Also called: Carbohydrate-deficient glycoprotein syndrome; Congenital disorders of glycosylation. Identifiers: Orphanet 137, MedGen C0282577, MONDO:0015286.
ALG1-congenital disorder of glycosylation. Also called: CONGENITAL DISORDER OF GLYCOSYLATION, TYPE Ik; CDG Ik; ALG1-CDG. Identifiers: Orphanet 79327, MedGen C2931005, MONDO:0012052, OMIM 608540.

gnomAD v4.1: 4 of 1,614,112 alleles (0.00025%); highest among the groups gnomAD compares: Non-Finnish European, 0.00034%; no homozygotes.

Submissions (2):

Labcorp Genetics (formerly Invitae), Labcorp
Classification: Pathogenic for ALG1-congenital disorder of glycosylation. Last evaluated: 2023-04-24. Review status: criteria provided, single submitter. Criteria: Invitae Variant Classification Sherloc (09022015). Collection method: clinical testing. Allele origin: germline.
Comment: This sequence change replaces proline, which is neutral and non-polar, with leucine, which is neutral and non-polar, at codon 98 of the ALG1 protein (p.Pro98Leu). This variant is not present in population databases (gnomAD no frequency). This missense change has been observed in individual(s) with congenital disorder of glycosylation type 1K (PMID: 23806237, 26931382). For these reasons, this variant has been classified as Pathogenic. Advanced modeling of protein sequence and biophysical properties (such as structural, functional, and spatial information, amino acid conservation, physicochemical variation, residue mobility, and thermodynamic stability) performed at Invitae indicates that this missense variant is expected to disrupt ALG1 protein function. ClinVar contains an entry for this variant (Variation ID: 690318).

University of Washington Center for Mendelian Genomics, University of Washington
Classification: Likely pathogenic for Congenital disorder of glycosylation. Last evaluated: 2017-05-25. Review status: no assertion criteria provided. Collection method: research. Allele origin: unknown. Affected: yes. Not counted in ClinVar's aggregate classification.

Literature cited by the submitters: PubMed 23806237 (cited by Labcorp Genetics (formerly Invitae), Labcorp); PubMed 26931382 (cited by Labcorp Genetics (formerly Invitae), Labcorp and University of Washington Center for Mendelian Genomics, University of Washington).

NM_019109.5(ALG1):c.293C>T (p.Pro98Leu)

Gene: ALG1 (ALG1 chitobiosyldiphosphodolichol beta-mannosyltransferase; plus strand). Cytogenetic location: 16p13.3.
Variant type: single nucleotide variant.
Coding change: c.293C>T on transcript NM_019109.5 (MANE Select); coding-DNA position 293, C replaced by T.
Protein change: p.Pro98Leu; replaces proline 98 with leucine.
Molecular consequence: missense variant. On other transcripts: 5 prime UTR variant (1).
Genome position (GRCh38, 1-based): chr16:5,073,159, C>T. VCF-style: chr16-5073159-C-T. GRCh37 (hg19) VCF-style: chr16-5123160-C-T.
Other names: c.-41C>T (NM_001330504.2); short protein forms P98L.
Identifiers: ClinVar variation 690318 (VCV000690318.4), dbSNP rs1596252105, ClinGen allele CA394679810.
Genomic context (GRCh38, chr16:5,073,159, plus strand): 5'-CGTGCAGATTGCCAGACGCTCCTTTGGTAGTCACAGGTGTTTTCTGACTTGCAGTTGGGC[C>T]CCGAGTTTTCCAGTACGGAGTCAAAGTTGTACTTCAGGCTATGTACTTGCTGTGGAAGTT-3'
Protein context (NP_061982.3, residues 88-108): LTELQSLAVG[Pro98Leu]RVFQYGVKVV